The following is an entry in ClinVar:

NM_021072.4(HCN1):c.1594C>A (p.Leu532Met)

Gene: HCN1 (hyperpolarization activated cyclic nucleotide gated potassium channel 1; minus strand). Cytogenetic location: 5p12.
Variant type: single nucleotide variant.
Coding change: c.1594C>A on transcript NM_021072.4 (MANE Select); coding-DNA position 1594, C replaced by A.
Protein change: p.Leu532Met; replaces leucine 532 with methionine.
Molecular consequence: missense variant.
Genome position (GRCh38, 1-based): chr5:45,303,623, G>T on the plus strand (C>A on the coding strand, the complement: HCN1 is on the minus strand). VCF-style: chr5-45303623-G-T. GRCh37 (hg19) VCF-style: chr5-45303725-G-T.
Other names: short protein forms L532M.
Identifiers: ClinVar variation 4747455 (VCV004747455.1).

ClinVar aggregate classification (germline): Uncertain significance (1 of 4 stars; one submission).

Conditions:
Early-infantile DEE. Also called: Ohtahara syndrome; Early infantile epileptic encephalopathy with suppression bursts; Early infantile epileptic encephalopathy. Identifiers: Orphanet 1934, MedGen C0393706, MONDO:0800491.

gnomAD v4.1: 1 of 1,613,310 alleles (0.000062%); highest among the groups gnomAD compares: Non-Finnish European, 0.000085%; no homozygotes.

Submission:

Labcorp Genetics (formerly Invitae), Labcorp
Classification: Uncertain significance for Early-infantile DEE. Last evaluated: 2025-02-12. Review status: criteria provided, single submitter. Criteria: Invitae Variant Classification Sherloc (09022015). Collection method: clinical testing. Allele origin: germline.
Comment: This sequence change replaces leucine, which is neutral and non-polar, with methionine, which is neutral and non-polar, at codon 532 of the HCN1 protein (p.Leu532Met). This variant is not present in population databases (gnomAD no frequency). This variant has not been reported in the literature in individuals affected with HCN1-related conditions. Invitae Evidence Modeling of protein sequence and biophysical properties (such as structural, functional, and spatial information, amino acid conservation, physicochemical variation, residue mobility, and thermodynamic stability) has been performed for this missense variant. However, the output from this modeling did not meet the statistical confidence thresholds required to predict the impact of this variant on HCN1 protein function. In summary, the available evidence is currently insufficient to determine the role of this variant in disease. Therefore, it has been classified as a Variant of Uncertain Significance.